The following is an entry in ClinVar:

NM_014270.5(SLC7A9):c.364C>A (p.Pro122Thr)

Gene: SLC7A9 (solute carrier family 7 member 9; minus strand). Cytogenetic location: 19q13.11.
Variant type: single nucleotide variant.
Coding change: c.364C>A on transcript NM_014270.5 (MANE Select); coding-DNA position 364, C replaced by A.
Protein change: p.Pro122Thr; replaces proline 122 with threonine.
Molecular consequence: missense variant.
Genome position (GRCh38, 1-based): chr19:32,864,210, G>T on the plus strand (C>A on the coding strand, the complement: SLC7A9 is on the minus strand). VCF-style: chr19-32864210-G-T. GRCh37 (hg19) VCF-style: chr19-33355116-G-T.
Other names: c.364C>A, p.Pro122Thr (NM_001126335.2, NM_001243036.2); short protein forms P122T.
Identifiers: ClinVar variation 1015579 (VCV001015579.9), dbSNP rs1320954034, ClinGen allele CA405203644.

ClinVar aggregate classification (germline): Uncertain significance (1 of 4 stars; one submission).

Submission:

Labcorp Genetics (formerly Invitae), Labcorp
Classification: Uncertain significance. Last evaluated: 2020-02-22. Review status: criteria provided, single submitter. Criteria: Invitae Variant Classification Sherloc (09022015). Collection method: clinical testing. Allele origin: germline.
Comment: In summary, the available evidence is currently insufficient to determine the role of this variant in disease. Therefore, it has been classified as a Variant of Uncertain Significance. Algorithms developed to predict the effect of missense changes on protein structure and function are either unavailable or do not agree on the potential impact of this missense change (SIFT: "Tolerated"; PolyPhen-2: "Probably Damaging"; Align-GVGD: "Class C0"). This variant has not been reported in the literature in individuals with SLC7A9-related conditions. This variant is not present in population databases (ExAC no frequency). This sequence change replaces proline with threonine at codon 122 of the SLC7A9 protein (p.Pro122Thr). The proline residue is highly conserved and there is a small physicochemical difference between proline and threonine.